The following is an entry in ClinVar:

NM_024753.5(TTC21B):c.1528G>C (p.Ala510Pro)

Gene: TTC21B (tetratricopeptide repeat domain 21B; minus strand). Cytogenetic location: 2q24.3.
Variant type: single nucleotide variant.
Coding change: c.1528G>C on transcript NM_024753.5 (MANE Select); coding-DNA position 1528, G replaced by C.
Protein change: p.Ala510Pro; replaces alanine 510 with proline.
Molecular consequence: missense variant.
Genome position (GRCh38, 1-based): chr2:165,919,422, C>G on the plus strand (G>C on the coding strand, the complement: TTC21B is on the minus strand). VCF-style: chr2-165919422-C-G. GRCh37 (hg19) VCF-style: chr2-166775932-C-G.
Other names: short protein forms A510P.
Identifiers: ClinVar variation 1040344 (VCV001040344.10), dbSNP rs200505317, ClinGen allele CA1942089.

ClinVar aggregate classification (germline): Uncertain significance. Review status: criteria provided, multiple submitters, no conflicts (2 of 4 stars). 4 submissions from 4 submitters: Uncertain significance (4). Last evaluated 2026-02-27.

Conditions:
TTC21B-related disorder. Also called: TTC21B-related condition; TTC21B-related disorders.
Nephronophthisis 12 (NPHP12). Identifiers: Orphanet 655, MedGen C3151186, MONDO:0013442, OMIM 613820.
Asphyxiating thoracic dystrophy 4 (SRTD4). Also called: SHORT-RIB THORACIC DYSPLASIA 4 WITH OR WITHOUT POLYDACTYLY; SHORT-RIB THORACIC DYSPLASIA 4. Identifiers: Orphanet 474, MedGen C3151185, MONDO:0013441, OMIM 613819.
Jeune thoracic dystrophy. Also called: Short-rib thoracic dysplasia; Jeune syndrome; Infantile thoracic dystrophy; Thoracic pelvic phalangeal dystrophy; Jeune's syndrome; Chondroectodermal dysplasia-like syndrome. Identifiers: Orphanet 474, MedGen C0265275, MONDO:0018770.
Nephronophthisis. Also called: Juvenile Nephronophthisis. Identifiers: Orphanet 655, MedGen C0687120, MONDO:0019005, HP:0000090.

Allele frequency attached by ClinVar (database versions not stated): gnomAD exomes 0.00003 and 0.00009; ExAC 0.00004; gnomAD 0.00005 and 0.00006; TOPMed 0.00006.
gnomAD v4.1: 60 of 1,613,776 alleles (0.0037%); highest among the groups gnomAD compares: Admixed American, 0.02%; no homozygotes.

Submissions (4):

PreventionGenetics, part of Exact Sciences
Classification: Uncertain significance for TTC21B-related condition. Last evaluated: 2026-02-27. Review status: criteria provided, single submitter. Criteria: ACMG Guidelines, 2015. Collection method: clinical testing. Allele origin: germline.
Comment: The TTC21B c.1528G>C variant is predicted to result in the amino acid substitution p.Ala510Pro. To our knowledge, this variant has not been reported in the literature. This variant is reported in 0.099% of alleles in individuals of Ashkenazi Jewish descent in gnomAD. Although we suspect that this variant may be benign, at this time, the clinical significance of this variant is uncertain due to the absence of conclusive functional and genetic evidence.

Labcorp Genetics (formerly Invitae), Labcorp
Classification: Uncertain significance for Jeune thoracic dystrophy; Nephronophthisis. Last evaluated: 2022-10-17. Review status: criteria provided, single submitter. Criteria: Invitae Variant Classification Sherloc (09022015). Collection method: clinical testing. Allele origin: germline.
Comment: This sequence change replaces alanine, which is neutral and non-polar, with proline, which is neutral and non-polar, at codon 510 of the TTC21B protein (p.Ala510Pro). This variant is present in population databases (rs200505317, gnomAD 0.1%). This variant has not been reported in the literature in individuals affected with TTC21B-related conditions. ClinVar contains an entry for this variant (Variation ID: 1040344). Advanced modeling of protein sequence and biophysical properties (such as structural, functional, and spatial information, amino acid conservation, physicochemical variation, residue mobility, and thermodynamic stability) performed at Invitae indicates that this missense variant is not expected to disrupt TTC21B protein function. In summary, the available evidence is currently insufficient to determine the role of this variant in disease. Therefore, it has been classified as a Variant of Uncertain Significance.

Fulgent Genetics
Classification: Uncertain significance for Asphyxiating thoracic dystrophy 4; Nephronophthisis 12. Last evaluated: 2022-05-10. Review status: criteria provided, single submitter. Criteria: ACMG Guidelines, 2015. Collection method: clinical testing. Allele origin: unknown.

GeneDx
Classification: Uncertain significance. Last evaluated: 2021-04-30. Review status: criteria provided, single submitter. Criteria: GeneDx Variant Classification Process June 2021. Collection method: clinical testing. Allele origin: germline. Affected: yes.
Comment: In silico analysis supports that this missense variant does not alter protein structure/function; Has not been previously published as pathogenic or benign to our knowledge